The following is an entry in ClinVar:

NM_001849.4(COL6A2):c.2447T>C (p.Leu816Pro)

Gene: COL6A2 (collagen type VI alpha 2 chain; plus strand). Cytogenetic location: 21q22.3.
Variant type: single nucleotide variant.
Coding change: c.2447T>C on transcript NM_001849.4 (MANE Select); coding-DNA position 2447, T replaced by C.
Protein change: p.Leu816Pro; replaces leucine 816 with proline.
Molecular consequence: missense variant.
Genome position (GRCh38, 1-based): chr21:46,126,527, T>C. VCF-style: chr21-46126527-T-C. GRCh37 (hg19) VCF-style: chr21-47546441-T-C.
Other names: c.2447T>C, p.Leu816Pro (NM_058174.3, NM_058175.3); short protein forms L816P.
Identifiers: ClinVar variation 4887217 (VCV004887217.1).

ClinVar aggregate classification (germline): Uncertain significance (1 of 4 stars; one submission).

gnomAD v4.1: 3 of 1,613,088 alleles (0.00019%); highest among the groups gnomAD compares: East Asian, 0.0067%; no homozygotes.

Submission:

Women's Health and Genetics/Laboratory Corporation of America, LabCorp
Classification: Uncertain significance. Last evaluated: 2026-06-16. Review status: criteria provided, single submitter. Criteria: LabCorp Variant Classification Summary - May 2015. Collection method: clinical testing. Allele origin: germline.
Comment: Variant summary: COL6A2 c.2447T>C (p.Leu816Pro) results in a non-conservative amino acid change in the encoded protein sequence. Algorithms developed to predict the effect of missense changes on protein structure and function all suggest that this variant is likely to be disruptive. The variant was absent in 251104 control chromosomes. The available data on variant occurrences in the general population are insufficient to allow any conclusion about variant significance. To our knowledge, no occurrence of c.2447T>C in individuals affected with COL6A2-related conditions and no experimental evidence demonstrating its impact on protein function have been reported. No submitters have cited clinical-significance assessments for this variant to ClinVar. Based on the evidence outlined above, the variant was classified as uncertain significance.